The following is an entry in ClinVar:

NM_000324.3(RHAG):c.1057G>A (p.Ala353Thr)

Gene: RHAG (Rh associated glycoprotein; minus strand). Cytogenetic location: 6p12.3.
Variant type: single nucleotide variant.
Coding change: c.1057G>A on transcript NM_000324.3 (MANE Select); coding-DNA position 1057, G replaced by A.
Protein change: p.Ala353Thr; replaces alanine 353 with threonine.
Molecular consequence: missense variant.
Genome position (GRCh38, 1-based): chr6:49,611,034, C>T on the plus strand (G>A on the coding strand, the complement: RHAG is on the minus strand). VCF-style: chr6-49611034-C-T. GRCh37 (hg19) VCF-style: chr6-49578747-C-T.
Other names: short protein forms A353T.
Identifiers: ClinVar variation 2902956 (VCV002902956.5), dbSNP rs200557191, ClinGen allele CA3847753.
Genomic context (GRCh38, chr6:49,611,034, plus strand): 5'-AGAAAACATCATGGGACCACAGGGGCTGAAAAACCCATTCTTTTACTCACGTGTTGGAGG[C>T]GCCCATTGCTACTGCCACAATGCCTGCAAGGCCTCCCACTACACCAGGTAAGCCGTGGAG-3'
Protein context (NP_000315.2, residues 343-363): LAGIVAVAMG[Ala353Thr]SNTSMAMQAA

ClinVar aggregate classification (germline): Likely benign. Review status: criteria provided, single submitter (1 of 4 stars). 2 submissions from 2 submitters: Likely benign (1). 1 of the submissions does not count toward it. Last evaluated 2023-04-10.

Conditions:
RHAG-related disorder. Also called: RHAG-related condition.

Allele frequency attached by ClinVar (database versions not stated): TOPMed 0.00006; ESP Exome Variant Server 0.00015; 1000 Genomes Project 30x 0.00016; gnomAD exomes 0.00018; 1000 Genomes Project 0.00020; gnomAD 0.00031; ExAC 0.00042.
gnomAD v4.1: 310 of 1,613,826 alleles (0.019%); highest among the groups gnomAD compares: Admixed American, 0.02%; no homozygotes.

Submissions (2):

Labcorp Genetics (formerly Invitae), Labcorp
Classification: Likely benign. Last evaluated: 2023-04-10. Review status: criteria provided, single submitter. Criteria: Invitae Variant Classification Sherloc (09022015). Collection method: clinical testing. Allele origin: germline.

PreventionGenetics, part of Exact Sciences
Classification: Likely benign for RHAG-related condition. Last evaluated: 2019-11-27. Review status: no assertion criteria provided. Collection method: clinical testing. Allele origin: germline. Not counted in ClinVar's aggregate classification.
Comment: This variant is classified as likely benign based on ACMG/AMP sequence variant interpretation guidelines (Richards et al. 2015 PMID: 25741868, with internal and published modifications).